The following is an entry in ClinVar:

NM_201402.3(USP17L2):c.466G>T (p.Gly156Cys)

Genes: FAM66D (family with sequence similarity 66 member D), USP17L2 (ubiquitin specific peptidase 17 like family member 2; minus strand). Cytogenetic location: 8p23.1.
Variant type: single nucleotide variant.
Coding change: c.466G>T on transcript NM_201402.3 (MANE Select); coding-DNA position 466, G replaced by T.
Protein change: p.Gly156Cys; replaces glycine 156 with cysteine.
Molecular consequence: missense variant.
Genome position (GRCh38, 1-based): chr8:12,138,295, C>A on the plus strand (G>T on the coding strand, the complement: USP17L2 is on the minus strand). VCF-style: chr8-12138295-C-A. GRCh37 (hg19) VCF-style: chr8-11995804-C-A.
Other names: short protein forms G156C.
Identifiers: ClinVar variation 2658427 (VCV002658427.24), dbSNP rs201369910, ClinGen allele CA4635124.

ClinVar aggregate classification (germline): Likely benign (1 of 4 stars; one submission).

Allele frequency attached by ClinVar (database versions not stated): 1000 Genomes Project 30x 0.00016; 1000 Genomes Project 0.00020; gnomAD exomes 0.00049; gnomAD 0.00050; ExAC 0.00099.

Submission:

CeGaT Center for Human Genetics Tuebingen
Classification: Likely benign. Last evaluated: 2022-12-01. Review status: criteria provided, single submitter. Criteria: CeGaT Center For Human Genetics Tuebingen Variant Classification Criteria Version 2. Collection method: clinical testing. Allele origin: germline. Affected: yes. Observed: 2 variant alleles.
Comment: USP17L2: BS2